The following is an entry in ClinVar:

NM_004371.4(COPA):c.1528G>A (p.Ala510Thr)

Gene: COPA (coat protein complex I subunit alpha; minus strand). Cytogenetic location: 1q23.2.
Variant type: single nucleotide variant.
Coding change: c.1528G>A on transcript NM_004371.4 (MANE Select); coding-DNA position 1528, G replaced by A.
Protein change: p.Ala510Thr; replaces alanine 510 with threonine.
Molecular consequence: missense variant.
Genome position (GRCh38, 1-based): chr1:160,305,688, C>T on the plus strand (G>A on the coding strand, the complement: COPA is on the minus strand). VCF-style: chr1-160305688-C-T. GRCh37 (hg19) VCF-style: chr1-160275478-C-T.
Other names: c.1528G>A, p.Glu510Lys (NM_001098398.2); short protein forms E510K, A510T.
Identifiers: ClinVar variation 2906516 (VCV002906516.4), dbSNP rs759621411, ClinGen allele CA1198088.

ClinVar aggregate classification (germline): Uncertain significance. Review status: criteria provided, multiple submitters, no conflicts (2 of 4 stars). 2 submissions from 2 submitters: Uncertain significance (2). Last evaluated 2024-09-03.

Conditions:
Autoimmune interstitial lung disease-arthritis syndrome. Also called: Autoinflammation and autoimmunity, systemic, with immune dysregulation. Identifiers: Orphanet 444092, MedGen C5975714, MONDO:0014629.

Allele frequency attached by ClinVar (database versions not stated): gnomAD 0.00001; ExAC 0.00002; TOPMed 0.00004.
gnomAD v4.1: 22 of 1,613,952 alleles (0.0014%); highest among the groups gnomAD compares: African/African-American, 0.008%; no homozygotes.

Submissions (2):

Labcorp Genetics (formerly Invitae), Labcorp
Classification: Uncertain significance for Autoimmune interstitial lung disease-arthritis syndrome. Last evaluated: 2024-09-03. Review status: criteria provided, single submitter. Criteria: Invitae Variant Classification Sherloc (09022015). Collection method: clinical testing. Allele origin: germline.
Comment: This sequence change replaces alanine, which is neutral and non-polar, with threonine, which is neutral and polar, at codon 510 of the COPA protein (p.Ala510Thr). This variant also falls at the last nucleotide of exon 16, which is part of the consensus splice site for this exon. This variant is present in population databases (rs759621411, gnomAD 0.02%). This variant has not been reported in the literature in individuals affected with COPA-related conditions. An algorithm developed to predict the effect of missense changes on protein structure and function (PolyPhen-2) suggests that this variant is likely to be tolerated. Variants that disrupt the consensus splice site are a relatively common cause of aberrant splicing (PMID: 17576681, 9536098). Algorithms developed to predict the effect of sequence changes on RNA splicing suggest that this variant may disrupt the consensus splice site. In summary, the available evidence is currently insufficient to determine the role of this variant in disease. Therefore, it has been classified as a Variant of Uncertain Significance.

Blueprint Genetics
Classification: Uncertain significance. Last evaluated: 2023-10-12. Review status: criteria provided, single submitter. Criteria: ACMG Guidelines, 2015. Collection method: clinical testing. Allele origin: germline.

Literature cited by the submitters: PubMed 17576681 (cited by Labcorp Genetics (formerly Invitae), Labcorp); PubMed 9536098 (cited by Labcorp Genetics (formerly Invitae), Labcorp).